The following is an entry in ClinVar:

ClinVar aggregate classification (germline): Conflicting classifications of pathogenicity. Review status: criteria provided, conflicting classifications (1 of 4 stars). 3 submissions from 3 submitters: Uncertain significance (1); Likely benign (2). Last evaluated 2025-09-02.

Conditions:
Inborn genetic diseases. Identifiers: MedGen C0950123, MeSH D030342.

Allele frequency attached by ClinVar (database versions not stated): TOPMed 0.00002; gnomAD 0.00004; gnomAD exomes 0.00009.
gnomAD v4.1: 90 of 1,406,126 alleles (0.0064%); highest among the groups gnomAD compares: Non-Finnish European, 0.0076%; no homozygotes.

Submissions (3):

Labcorp Genetics (formerly Invitae), Labcorp
Classification: Likely benign. Last evaluated: 2025-09-02. Review status: criteria provided, single submitter. Criteria: Invitae Variant Classification Sherloc (09022015). Collection method: clinical testing. Allele origin: germline.

Blueprint Genetics
Classification: Likely benign. Last evaluated: 2021-09-01. Review status: criteria provided, single submitter. Criteria: ACMG Guidelines, 2015. Collection method: clinical testing. Allele origin: germline.

Ambry Genetics
Classification: Uncertain significance for Inborn genetic diseases. Last evaluated: 2017-04-21. Review status: criteria provided, single submitter. Criteria: Ambry Variant Classification Scheme 2023. Collection method: clinical testing. Allele origin: germline.
Comment: The p.P174L variant (also known as c.521C>T), located in coding exon 1 of the ARID1B gene, results from a C to T substitution at nucleotide position 521. The proline at codon 174 is replaced by leucine, an amino acid with similar properties. This amino acid position is not well conserved in available vertebrate species. In addition, this alteration is predicted to be tolerated by in silico analysis. Since supporting evidence is limited at this time, the clinical significance of this alteration remains unclear.

NM_001374828.1(ARID1B):c.770C>T (p.Pro257Leu)

Genes: ARID1B (AT-rich interaction domain 1B; plus strand), LOC115308161 (uncharacterized LOC115308161; minus strand), LOC129997525 (ATAC-STARR-seq lymphoblastoid silent region 17712; plus strand). Cytogenetic location: 6q25.3.
Variant type: single nucleotide variant.
Coding change: c.770C>T on transcript NM_001374828.1 (MANE Select); coding-DNA position 770, C replaced by T.
Protein change: p.Pro257Leu; replaces proline 257 with leucine.
Molecular consequence: missense variant. On other transcripts: non-coding transcript variant (1).
Genome position (GRCh38, 1-based): chr6:156,778,450, C>T. VCF-style: chr6-156778450-C-T. GRCh37 (hg19) VCF-style: chr6-157099584-C-T.
Other names: c.770C>T, p.Pro257Leu (NM_001371656.1, NM_001374820.1, NM_017519.3); c.521C>T, p.Pro174Leu (NM_020732.3); short protein forms P174L, P257L.
Identifiers: ClinVar variation 589623 (VCV000589623.12), dbSNP rs1394730320, ClinGen allele CA366382070.